The following is an entry in ClinVar:

NM_004444.5(EPHB4):c.1300C>T (p.Pro434Ser)

Gene: EPHB4 (EPH receptor B4; minus strand). Cytogenetic location: 7q22.1.
Variant type: single nucleotide variant.
Coding change: c.1300C>T on transcript NM_004444.5 (MANE Select); coding-DNA position 1300, C replaced by T.
Protein change: p.Pro434Ser; replaces proline 434 with serine.
Molecular consequence: missense variant.
Genome position (GRCh38, 1-based): chr7:100,818,642, G>A on the plus strand (C>T on the coding strand, the complement: EPHB4 is on the minus strand). VCF-style: chr7-100818642-G-A. GRCh37 (hg19) VCF-style: chr7-100416264-G-A.
Other names: short protein forms P434S.
Identifiers: ClinVar variation 1691359 (VCV001691359.8), dbSNP rs764213009, ClinGen allele CA4393031.

ClinVar aggregate classification (germline): Uncertain significance. Review status: criteria provided, multiple submitters, no conflicts (2 of 4 stars). 3 submissions from 3 submitters: Uncertain significance (3). Last evaluated 2025-11-22.

Conditions:
Cardiovascular phenotype. Identifiers: MedGen CN230736.

Allele frequency attached by ClinVar (database versions not stated): TOPMed 0.00006; ExAC 0.00001; gnomAD 0.00005 and 0.00006; gnomAD exomes 0.00002.
gnomAD v4.1: 44 of 1,608,274 alleles (0.0027%); highest among the groups gnomAD compares: African/African-American, 0.004%; no homozygotes.

Submissions (3):

Labcorp Genetics (formerly Invitae), Labcorp
Classification: Uncertain significance. Last evaluated: 2025-11-22. Review status: criteria provided, single submitter. Criteria: Invitae Variant Classification Sherloc (09022015). Collection method: clinical testing. Allele origin: germline.
Comment: This sequence change replaces proline, which is neutral and non-polar, with serine, which is neutral and polar, at codon 434 of the EPHB4 protein (p.Pro434Ser). This variant is present in population databases (rs764213009, gnomAD 0.007%). This variant has not been reported in the literature in individuals affected with EPHB4-related conditions. ClinVar contains an entry for this variant (Variation ID: 1691359). Invitae Evidence Modeling of protein sequence and biophysical properties (such as structural, functional, and spatial information, amino acid conservation, physicochemical variation, residue mobility, and thermodynamic stability) has been performed for this missense variant. However, the output from this modeling did not meet the statistical confidence thresholds required to predict the impact of this variant on EPHB4 protein function. In summary, the available evidence is currently insufficient to determine the role of this variant in disease. Therefore, it has been classified as a Variant of Uncertain Significance.

Ambry Genetics
Classification: Uncertain significance for Cardiovascular phenotype. Last evaluated: 2024-10-24. Review status: criteria provided, single submitter. Criteria: Ambry Variant Classification Scheme 2023. Collection method: clinical testing. Allele origin: germline.
Comment: The p.P434S variant (also known as c.1300C>T), located in coding exon 7 of the EPHB4 gene, results from a C to T substitution at nucleotide position 1300. The proline at codon 434 is replaced by serine, an amino acid with similar properties. This amino acid position is conserved. In addition, the in silico prediction for this alteration is inconclusive. Since supporting evidence is limited at this time, the clinical significance of this alteration remains unclear.

Seattle Children's Hospital Molecular Genetics Laboratory, Seattle Children's Hospital
Classification: Uncertain significance. Last evaluated: 2020-08-20. Review status: criteria provided, single submitter. Criteria: ACMG Guidelines, 2015. Collection method: clinical testing. Allele origin: germline. Affected: yes.
Comment: The c.1300C>T variant in exon 7 of EPHB4 is predicted to substitute the proline at position 434 with serine. In silico tools predict the p.Pro434Ser alteration is damaging to protein function (DANN, SIFT, MutationTaster, CADD 25.2). This is a rare variant, observed in 4 of 243,626 alleles in the Genome Aggregation Database (v2.1.1; GRCh37 chr7-100416264-G-A). This variant has not been reported in the medical literature or patient-specific databases.